The following is an entry in ClinVar:

ClinVar aggregate classification (germline): Pathogenic. Review status: criteria provided, multiple submitters, no conflicts (2 of 4 stars). 2 submissions from 2 submitters: Pathogenic (2). Last evaluated 2022-08-19.

Conditions:
Retinitis pigmentosa 1 (RP1). Identifiers: Orphanet 791, MedGen C0220701, MONDO:0008377, OMIM 180100.

Submissions (2):

Labcorp Genetics (formerly Invitae), Labcorp
Classification: Pathogenic. Last evaluated: 2022-08-19. Review status: criteria provided, single submitter. Criteria: Invitae Variant Classification Sherloc (09022015). Collection method: clinical testing. Allele origin: germline.
Comment: For these reasons, this variant has been classified as Pathogenic. ClinVar contains an entry for this variant (Variation ID: 1213898). This variant has not been reported in the literature in individuals affected with RP1-related conditions. This variant is not present in population databases (gnomAD no frequency). This sequence change creates a premature translational stop signal (p.Gln178*) in the RP1 gene. It is expected to result in an absent or disrupted protein product. Loss-of-function variants in RP1 are known to be pathogenic (PMID: 11960024, 19933189).

DBGen Ocular Genomics
Classification: Pathogenic for Retinitis pigmentosa 1. Last evaluated: 2021-06-21. Review status: criteria provided, single submitter. Criteria: ACMG Guidelines, 2015. Collection method: clinical testing. Allele origin: germline. Affected: yes. Observed: 1 variant allele.

Literature cited by the submitters: PubMed 11960024 (cited by Labcorp Genetics (formerly Invitae), Labcorp); PubMed 19933189 (cited by Labcorp Genetics (formerly Invitae), Labcorp).

NM_006269.2(RP1):c.532C>T (p.Gln178Ter)

Gene: RP1 (RP1 axonemal microtubule associated; plus strand). Cytogenetic location: 8q12.1.
Variant type: single nucleotide variant.
Coding change: c.532C>T on transcript NM_006269.2 (MANE Select); coding-DNA position 532, C replaced by T.
Protein change: p.Gln178Ter; replaces glutamine 178 with a stop codon.
Molecular consequence: nonsense.
Genome position (GRCh38, 1-based): chr8:54,621,498, C>T. VCF-style: chr8-54621498-C-T. GRCh37 (hg19) VCF-style: chr8-55534058-C-T.
Other names: c.532C>T, p.Gln178Ter (NM_001375654.1); short protein forms Q178*.
Identifiers: ClinVar variation 1213898 (VCV001213898.7), dbSNP rs2129314462, ClinGen allele CA370987165.